The following is an entry in ClinVar:

ClinVar aggregate classification (germline): Pathogenic. Review status: criteria provided, multiple submitters, no conflicts (2 of 4 stars). 6 submissions from 6 submitters: Pathogenic (6). Last evaluated 2026-09-08.

Conditions:
Fabry disease. Also called: GLA DEFICIENCY; Fabry's disease; ALPHA-GALACTOSIDASE A DEFICIENCY; ANDERSON-FABRY DISEASE; CERAMIDE TRIHEXOSIDASE DEFICIENCY; Ceramide trihexosidosis. Identifiers: Orphanet 324, MedGen C0002986, MONDO:0010526, OMIM 301500, HP:0001071. Disease mechanism: Fabry disease is due to inactivating mutations in the X-linked GLA gene resulting in deficiency of the enzyme Alpha Galactosidase-A., loss of function.

Submissions (6):

Genomenon, Inc
Classification: Pathogenic for Fabry disease. Last evaluated: 2026-09-08. Review status: criteria provided, single submitter. Criteria: Genomenon Sequence Variant Interpretation Standards - Updated. Collection method: curation. Allele origin: germline. Affected: yes.
Comment: GLA p.Met1? (c.2T>C) is a variant that disrupts the initiation codon leading to an altered or absent protein product. This variant has been observed in at least one proband with clinical features consistent with Fabry disease (PMID:28672034;9100224;37940383;28275245;25531941;33527381;27129690;18297328;30385651;38395389). The variant was found to segregate with disease in at least one affected family (PMID:28672034;27129690;18297328). At least one functional study has demonstrated a substantial alteration in protein function relative to the wild-type (PMID:27657681). It is absent or not present at a significant frequency in gnomAD. In conclusion, we classify GLA p.Met1? (c.2T>C) as a pathogenic variant.

Revvity Omics, Revvity
Classification: Pathogenic. Last evaluated: 2023-09-18. Review status: criteria provided, single submitter. Criteria: ACMG Guidelines, 2015. Collection method: clinical testing. Allele origin: germline.

Genome-Nilou Lab
Classification: Pathogenic for Fabry disease. Last evaluated: 2021-07-15. Review status: criteria provided, single submitter. Criteria: ACMG Guidelines, 2015. Collection method: clinical testing. Allele origin: germline. Affected: no.

Eurofins Ntd Llc (ga)
Classification: Pathogenic. Last evaluated: 2018-03-04. Review status: criteria provided, single submitter. Criteria: EGL ClinVar v180209 classification definitions. Collection method: clinical testing. Allele origin: germline. Observed: 4 variant alleles, 2 heterozygotes, 2 hemizygotes.

Labcorp Genetics (formerly Invitae), Labcorp
Classification: Pathogenic for Fabry disease. Last evaluated: 2018-03-01. Review status: criteria provided, single submitter. Criteria: Invitae Variant Classification Sherloc (09022015). Collection method: clinical testing. Allele origin: germline.
Comment: This variant is expected to result in an absent or disrupted protein product. If translation initiation is rescued by the downstream methionine at codon 42, this would result in loss of the signal peptide cleavage site (PMID: 8807334). For these reasons, this variant has been classified as Pathogenic. This variant has been reported in several individuals affected with Fabry disease (PMID: 9100224, 28672034, 28275245). Other nucleotide substitutions affecting the initiator codon (c.2T>G and c.3G>A) have also been reported in individuals with Fabry disease (PMID: 12175777, 8807334). This variant is not present in population databases (ExAC no frequency). This sequence change affects the initiator methionine of the GLA mRNA. The next in-frame methionine is located at codon 42.

Women's Health and Genetics/Laboratory Corporation of America, LabCorp
Classification: Pathogenic for Fabry disease. Last evaluated: 2016-11-03. Review status: criteria provided, single submitter. Criteria: LabCorp Variant Classification Summary - May 2015. Collection method: clinical testing. Allele origin: germline.
Comment: Variant summary: The GLA c.2T>C (p.Met1Thr) variant involves the alteration of a non-conserved nucleotide and results disruption of the START codon of GLA. 4/5 in silico tools predict a damaging outcome for this substitution. This variant is absent in 87229 control chromosomes while it was reported in at least two patients with Fabry disease indicating causality. Moreover, variants impacting the same codon are listed in HGMD as disease causing (M1R, M1I, M1L, M1K, M1V ) indicating the Met1 residue to be a mutational hotspot and its clinical importance. Taken together, this variant is classified as pathogenic.

Literature cited by the submitters: PubMed 28672034 (cited by Genomenon, Inc and Labcorp Genetics (formerly Invitae), Labcorp); PubMed 9100224 (cited by 3 submitters); PubMed 37940383 (cited by Genomenon, Inc); PubMed 28275245 (cited by Genomenon, Inc and Labcorp Genetics (formerly Invitae), Labcorp); PubMed 25531941 (cited by Genomenon, Inc); PubMed 33527381 (cited by Genomenon, Inc); PubMed 27129690 (cited by Genomenon, Inc and Women's Health and Genetics/Laboratory Corporation of America, LabCorp); PubMed 18297328 (cited by Genomenon, Inc); PubMed 30385651 (cited by Genomenon, Inc); PubMed 38395389 (cited by Genomenon, Inc); PubMed 27657681 (cited by Genomenon, Inc and Women's Health and Genetics/Laboratory Corporation of America, LabCorp); PubMed 8807334 (cited by Labcorp Genetics (formerly Invitae), Labcorp); PubMed 12175777 (cited by Labcorp Genetics (formerly Invitae), Labcorp).

NM_000169.3(GLA):c.2T>C (p.Met1Thr)

Genes: GLA (galactosidase alpha; minus strand), RPL36A-HNRNPH2 (RPL36A-HNRNPH2 readthrough; plus strand). Cytogenetic location: Xq22.1.
Variant type: single nucleotide variant.
Coding change: c.2T>C on transcript NM_000169.3 (MANE Select); coding-DNA position 2, T replaced by C.
Protein change: p.Met1Thr; changes the start codon (methionine 1).
Molecular consequence: missense variant, initiator codon variant. On other transcripts: non-coding transcript variant (3), intron variant (2).
Genome position (GRCh38, 1-based): chrX:101,407,902, A>G on the plus strand (T>C on the coding strand, the complement: GLA is on the minus strand). VCF-style: chrX-101407902-A-G. GRCh37 (hg19) VCF-style: chrX-100662890-A-G.
Other names: c.2T>C, p.Met1Thr (NM_001406747.1, NM_001406748.1, NM_001406749.1); c.301-4034A>G (NM_001199973.2); c.178-4034A>G (NM_001199974.2); short protein forms M1T.
Identifiers: ClinVar variation 495694 (VCV000495694.20), dbSNP rs1555987232, ClinGen allele CA413937947.